The following is an entry in ClinVar:

ClinVar aggregate classification (germline): Uncertain significance. Review status: criteria provided, single submitter (1 of 4 stars). 2 submissions from 2 submitters: Uncertain significance (1). 1 of the submissions does not count toward it. Last evaluated 2019-08-16.

Conditions:
SLC45A1-related disorder. Also called: SLC45A1-related condition.
Intellectual developmental disorder with neuropsychiatric features. Identifiers: MedGen C4479636, MONDO:0044322, OMIM 617532.

Allele frequency attached by ClinVar (database versions not stated): TOPMed 0.00003; gnomAD exomes 0.00023; ExAC 0.00025.
gnomAD v4.1: 67 of 1,613,218 alleles (0.0042%); highest among the groups gnomAD compares: Admixed American, 0.11%; no homozygotes.

Submissions (2):

Baylor Genetics
Classification: Uncertain significance for Intellectual developmental disorder with neuropsychiatric features. Last evaluated: 2019-08-16. Review status: criteria provided, single submitter. Criteria: ACMG Guidelines, 2015. Collection method: clinical testing. Allele origin: maternal. Affected: yes.
Comment: This variant was determined to be of uncertain significance according to ACMG Guidelines, 2015 [PMID:25741868].

PreventionGenetics, part of Exact Sciences
Classification: Likely benign for SLC45A1-related condition. Last evaluated: 2022-12-21. Review status: no assertion criteria provided. Collection method: clinical testing. Allele origin: germline. Not counted in ClinVar's aggregate classification.
Comment: This variant is classified as likely benign based on ACMG/AMP sequence variant interpretation guidelines (Richards et al. 2015 PMID: 25741868, with internal and published modifications).

NM_001080397.3(SLC45A1):c.1256T>A (p.Leu419Gln)

Gene: SLC45A1 (solute carrier family 45 member 1; plus strand). Cytogenetic location: 1p36.23.
Variant type: single nucleotide variant.
Coding change: c.1256T>A on transcript NM_001080397.3 (MANE Select); coding-DNA position 1256, T replaced by A.
Protein change: p.Leu419Gln; replaces leucine 419 with glutamine.
Molecular consequence: missense variant.
Genome position (GRCh38, 1-based): chr1:8,330,749, T>A. VCF-style: chr1-8330749-T-A. GRCh37 (hg19) VCF-style: chr1-8390809-T-A.
Other names: c.1256T>A, p.Leu419Gln (NM_001379614.1); c.1163T>A, p.Leu388Gln (NM_001379615.1, NM_001379616.1); c.650T>A, p.Leu217Gln (NM_001379617.1, NM_001379618.1); c.1358T>A (NM_001080397.2); short protein forms L217Q, L388Q, L419Q.
Identifiers: ClinVar variation 1029017 (VCV001029017.3), dbSNP rs374431547, ClinGen allele CA570350.